The following is an entry in ClinVar:

NM_004260.4(RECQL4):c.1391A>G (p.Glu464Gly)

Gene: RECQL4 (RecQ like helicase 4; minus strand). Cytogenetic location: 8q24.3.
Variant type: single nucleotide variant.
Coding change: c.1391A>G on transcript NM_004260.4 (MANE Select); coding-DNA position 1391, A replaced by G.
Protein change: p.Glu464Gly; replaces glutamic acid 464 with glycine.
Molecular consequence: missense variant. On other transcripts: 5 prime UTR variant (1), non-coding transcript variant (3).
Genome position (GRCh38, 1-based): chr8:144,515,242, T>C on the plus strand (A>G on the coding strand, the complement: RECQL4 is on the minus strand). VCF-style: chr8-144515242-T-C. GRCh37 (hg19) VCF-style: chr8-145740626-T-C.
Other names: c.1295A>G, p.Glu432Gly (NM_001413017.1, NM_001413020.1); c.1391A>G, p.Glu464Gly (NM_001413018.1, NM_001413019.1, NM_001413033.1 and 2 more transcripts); c.320A>G, p.Glu107Gly (NM_001413021.1, NM_001413022.1, NM_001413023.1 and 8 more transcripts); c.1262A>G, p.Glu421Gly (NM_001413025.1); c.254A>G, p.Glu85Gly (NM_001413027.1, NM_001413030.1, NM_001413031.1 and 2 more transcripts); c.1040A>G, p.Glu347Gly (NM_001413029.1); c.-77A>G (NM_001413043.1); short protein forms E107G, E421G, E85G, E464G, E347G, E432G.
Identifiers: ClinVar variation 3788018 (VCV003788018.1).

ClinVar aggregate classification (germline): Uncertain significance (1 of 4 stars; one submission).

Conditions:
Inborn genetic diseases. Identifiers: MedGen C0950123, MeSH D030342.

Submission:

Ambry Genetics
Classification: Uncertain significance for Inborn genetic diseases. Last evaluated: 2025-02-02. Review status: criteria provided, single submitter. Criteria: Ambry Variant Classification Scheme 2023. Collection method: clinical testing. Allele origin: germline.
Comment: The p.E464G variant (also known as c.1391A>G) is located in coding exon 8 of the RECQL4 gene. The glutamic acid at codon 464 is replaced by glycine, an amino acid with similar properties. This change occurs in the first base pair of coding exon 8. This amino acid position is conserved. In addition, the in silico prediction for this alteration is inconclusive. Based on the available evidence, the clinical significance of this variant remains unclear.